The following is an entry in ClinVar:

ClinVar aggregate classification (germline): Uncertain significance (1 of 4 stars; one submission).

Conditions:
RECQL-related disorder. Also called: RECQL-related condition.

gnomAD v4.1: 2 of 1,613,082 alleles (0.00012%); highest among the groups gnomAD compares: Non-Finnish European, 0.00017%; no homozygotes.

Submission:

PreventionGenetics, part of Exact Sciences
Classification: Uncertain significance for RECQL-related condition. Last evaluated: 2025-09-18. Review status: criteria provided, single submitter. Criteria: ACMG Guidelines, 2015. Collection method: clinical testing. Allele origin: germline.
Comment: The RECQL c.1003C>T variant is predicted to result in premature protein termination (p.Gln335*). To our knowledge, this variant has not been reported in the literature or in a large population database (gnomAD), indicating this variant is rare. At the time of reporting this variant is not listed in the ClinVar database. This variant is expected to result in a truncated RECQL protein; however, loss-of-function variants in RECQL have not been shown to cause disease. At this time, the clinical significance of this variant is uncertain due to the absence of conclusive functional and genetic evidence.

NM_002907.4(RECQL):c.1003C>T (p.Gln335Ter)

Gene: RECQL (RecQ like helicase; minus strand). Cytogenetic location: 12p12.1.
Variant type: single nucleotide variant.
Coding change: c.1003C>T on transcript NM_002907.4 (MANE Select); coding-DNA position 1003, C replaced by T.
Protein change: p.Gln335Ter; replaces glutamine 335 with a stop codon.
Molecular consequence: nonsense.
Genome position (GRCh38, 1-based): chr12:21,475,771, G>A on the plus strand (C>T on the coding strand, the complement: RECQL is on the minus strand). VCF-style: chr12-21475771-G-A. GRCh37 (hg19) VCF-style: chr12-21628705-G-A.
Other names: c.1003C>T, p.Gln335Ter (NM_032941.3); short protein forms Q335*.
Identifiers: ClinVar variation 4993401 (VCV004993401.1).